The following is an entry in ClinVar:

ClinVar aggregate classification (germline): Uncertain significance (1 of 4 stars; one submission).

Submission:

GeneDx
Classification: Uncertain significance. Last evaluated: 2024-03-12. Review status: criteria provided, single submitter. Criteria: GeneDx Variant Classification Process June 2021. Collection method: clinical testing. Allele origin: germline. Affected: yes.
Comment: Not observed at significant frequency in large population cohorts (gnomAD); In silico analysis supports that this missense variant has a deleterious effect on protein structure/function; Has not been previously published as pathogenic or benign to our knowledge

NM_001081550.2(THOC2):c.1340T>A (p.Ile447Asn)

Gene: THOC2 (THO complex subunit 2; minus strand). Cytogenetic location: Xq25.
Variant type: single nucleotide variant.
Coding change: c.1340T>A on transcript NM_001081550.2 (MANE Select); coding-DNA position 1340, T replaced by A.
Protein change: p.Ile447Asn; replaces isoleucine 447 with asparagine.
Molecular consequence: missense variant.
Genome position (GRCh38, 1-based): chrX:123,665,688, A>T on the plus strand (T>A on the coding strand, the complement: THOC2 is on the minus strand). VCF-style: chrX-123665688-A-T. GRCh37 (hg19) VCF-style: chrX-122799539-A-T.
Other names: short protein forms I447N.
Identifiers: ClinVar variation 3370786 (VCV003370786.1).